The following is an entry in ClinVar:

ClinVar aggregate classification (germline): Uncertain significance. Review status: criteria provided, single submitter (1 of 4 stars). 2 submissions from 2 submitters: Uncertain significance (1). 1 of the submissions does not count toward it. Last evaluated 2026-02-01.

Conditions:
Activated PI3K-delta syndrome. Identifiers: Orphanet 397596, MedGen C3714976, MONDO:0018338.
Immunodeficiency 14 (IMD14A). Also called: ACTIVATED PI3K-DELTA SYNDROME 1; IMMUNODEFICIENCY 14A WITH LYMPHOPROLIFERATION, AUTOSOMAL DOMINANT; Activated PI3K Delta Syndrome Type 1 (APDS1); p110-DELTA-ACTIVATING MUTATION CAUSING SENESCENT T CELLS, LYMPHADENOPATHY, AND IMMUNODEFICIENCY. Identifiers: Orphanet 397596, Orphanet 693661, MedGen C5907821, MONDO:0014222, OMIM 615513.

Allele frequency attached by ClinVar (database versions not stated): gnomAD exomes 0.00002; ExAC 0.00003; gnomAD 0.00001 and 0.00002; TOPMed 0.00001.
gnomAD v4.1: 30 of 1,613,398 alleles (0.0019%); highest among the groups gnomAD compares: East Asian, 0.0089%; no homozygotes.

Submissions (2):

Labcorp Genetics (formerly Invitae), Labcorp
Classification: Uncertain significance for Activated PI3K-delta syndrome. Last evaluated: 2026-02-01. Review status: criteria provided, single submitter. Criteria: Invitae Variant Classification Sherloc (09022015). Collection method: clinical testing. Allele origin: germline.
Comment: This sequence change replaces arginine, which is basic and polar, with histidine, which is basic and polar, at codon 52 of the PIK3CD protein (p.Arg52His). This variant is present in population databases (rs772851443, gnomAD 0.006%). This variant has not been reported in the literature in individuals affected with PIK3CD-related conditions. ClinVar contains an entry for this variant (Variation ID: 965978). An algorithm developed to predict the effect of missense changes on protein structure and function outputs the following: PolyPhen-2: "Benign". The histidine amino acid residue is found in multiple mammalian species, which suggests that this missense change does not adversely affect protein function. In summary, the available evidence is currently insufficient to determine the role of this variant in disease. Therefore, it has been classified as a Variant of Uncertain Significance.

Rarefied Biosciences Lab
Classification: Likely benign for Activated PI3K-delta syndrome. Review status: no assertion criteria provided. Collection method: research. Allele origin: maternal, not applicable. Affected: yes. Not counted in ClinVar's aggregate classification.
Comment: p.Arg52His is classified here as likely benign due to experimental evidence show no gain of mTOR function in B or T cells. The proportion of circulating TFH is normal. The proportion of circulating Transitional B cells is marginally higher compared to healthy controls, but this finding is not unique to APDS.

Literature cited by the submitters: PubMed 31031754 (cited by Rarefied Biosciences Lab).

NM_005026.5(PIK3CD):c.155G>A (p.Arg52His)

Gene: PIK3CD (phosphatidylinositol-4,5-bisphosphate 3-kinase catalytic subunit delta; plus strand). Cytogenetic location: 1p36.22.
Variant type: single nucleotide variant.
Coding change: c.155G>A on transcript NM_005026.5 (MANE Select); coding-DNA position 155, G replaced by A.
Protein change: p.Arg52His; replaces arginine 52 with histidine.
Molecular consequence: missense variant.
Genome position (GRCh38, 1-based): chr1:9,715,554, G>A. VCF-style: chr1-9715554-G-A. GRCh37 (hg19) VCF-style: chr1-9775612-G-A.
Other names: c.155G>A, p.Arg52His (NM_001350234.2, NM_001350235.1); short protein forms R52H.
Identifiers: ClinVar variation 965978 (VCV000965978.11), dbSNP rs772851443, ClinGen allele CA576803.
Genomic context (GRCh38, chr1:9,715,554, plus strand): 5'-CAGTGGCTGCCTTGGGTGGAGGGGCTGACCGGTGACTGTCCCTCCAGCTGCTGTGGCACC[G>A]CGCCCAGTATGAGCCGCTCTTCCACATGCTCAGTGGCCCCGAGGCCTATGTGTTCACCTG-3'
Protein context (NP_005017.3, residues 42-62): LSTIKQLLWH[Arg52His]AQYEPLFHML